The following is an entry in ClinVar:

ClinVar aggregate classification (germline): Uncertain significance (1 of 4 stars; one submission).

Conditions:
Cardiovascular phenotype. Identifiers: MedGen CN230736.

gnomAD v4.1: 4 of 1,614,146 alleles (0.00025%); highest among the groups gnomAD compares: African/African-American, 0.0053%; no homozygotes.

Submission:

Ambry Genetics
Classification: Uncertain significance for Cardiovascular phenotype. Last evaluated: 2024-04-12. Review status: criteria provided, single submitter. Criteria: Ambry Variant Classification Scheme 2023. Collection method: clinical testing. Allele origin: germline.
Comment: The p.V211A variant (also known as c.632T>C), located in coding exon 1 of the MYPN gene, results from a T to C substitution at nucleotide position 632. The valine at codon 211 is replaced by alanine, an amino acid with similar properties. This amino acid position is conserved. In addition, this alteration is predicted to be tolerated by in silico analysis. Based on the available evidence, the clinical significance of this variant remains unclear.

NM_032578.4(MYPN):c.632T>C (p.Val211Ala)

Gene: MYPN (myopalladin; plus strand). Cytogenetic location: 10q21.3.
Variant type: single nucleotide variant.
Coding change: c.632T>C on transcript NM_032578.4 (MANE Select); coding-DNA position 632, T replaced by C.
Protein change: p.Val211Ala; replaces valine 211 with alanine.
Molecular consequence: missense variant. On other transcripts: 5 prime UTR variant (1), non-coding transcript variant (1).
Genome position (GRCh38, 1-based): chr10:68,122,070, T>C. VCF-style: chr10-68122070-T-C. GRCh37 (hg19) VCF-style: chr10-69881827-T-C.
Other names: c.632T>C, p.Val211Ala (NM_001256267.2); c.-491T>C (NM_001256268.2); short protein forms V211A.
Identifiers: ClinVar variation 3298131 (VCV003298131.1).